The following is an entry in ClinVar:

NM_003072.5(SMARCA4):c.4533+5C>A

Gene: SMARCA4 (SWI/SNF related BAF chromatin remodeling complex subunit ATPase 4; plus strand). Cytogenetic location: 19p13.2.
Variant type: single nucleotide variant.
Coding change: c.4533+5C>A on transcript NM_003072.5 (MANE Select); 5 bases into the intron after coding-DNA position 4533, C replaced by A.
Molecular consequence: intron variant.
Genome position (GRCh38, 1-based): chr19:11,058,368, C>A. VCF-style: chr19-11058368-C-A. GRCh37 (hg19) VCF-style: chr19-11169044-C-A.
Other names: c.4533+5C>A (NM_001128844.3); c.4629+5C>A (NM_001128849.3, NM_001387283.1); c.4434+5C>A (NM_001128847.4, NM_001374457.1); c.4443+5C>A (NM_001128845.2); c.4440+5C>A (NM_001128846.2); c.4431+5C>A (NM_001128848.2).
Identifiers: ClinVar variation 1041147 (VCV001041147.12), dbSNP rs778368597, ClinGen allele CA2322743788.

ClinVar aggregate classification (germline): Conflicting classifications of pathogenicity. Review status: criteria provided, conflicting classifications (1 of 4 stars). 2 submissions from 2 submitters: Uncertain significance (1); Likely benign (1). Last evaluated 2025-06-13.

Conditions:
Hereditary cancer-predisposing syndrome. Also called: Hereditary Cancer Syndrome; Tumor predisposition; Hereditary neoplastic syndrome; Neoplastic Syndromes, Hereditary. Identifiers: Orphanet 140162, MedGen C0027672, MeSH D009386, MONDO:0015356.
Rhabdoid tumor predisposition syndrome 2 (RTPS2). Identifiers: Orphanet 231108, Orphanet 69077, MedGen C2750074, MONDO:0013224, OMIM 613325.

gnomAD v4.1: 2 of 1,591,368 alleles (0.00013%); highest among the groups gnomAD compares: Non-Finnish European, 0.000086%; no homozygotes.

Submissions (2):

Ambry Genetics
Classification: Uncertain significance for Hereditary cancer-predisposing syndrome. Last evaluated: 2025-06-13. Review status: criteria provided, single submitter. Criteria: Ambry Variant Classification Scheme 2023. Collection method: clinical testing. Allele origin: germline.
Comment: The c.4629+5C>A intronic variant results from a C to A substitution 5 nucleotides after coding exon 31 in the SMARCA4 gene. This nucleotide position is not well conserved in available vertebrate species. In silico splice site analysis predicts that this alteration will not have any significant effect on splicing. Based on the available evidence, the clinical significance of this variant remains unclear.

Labcorp Genetics (formerly Invitae), Labcorp
Classification: Likely benign for Rhabdoid tumor predisposition syndrome 2. Last evaluated: 2024-07-24. Review status: criteria provided, single submitter. Criteria: Invitae Variant Classification Sherloc (09022015). Collection method: clinical testing. Allele origin: germline.